The following is an entry in ClinVar:

NM_005033.3(EXOSC9):c.122C>G (p.Thr41Arg)

Gene: EXOSC9 (exosome component 9; plus strand). Cytogenetic location: 4q27.
Variant type: single nucleotide variant.
Coding change: c.122C>G on transcript NM_005033.3 (MANE Select); coding-DNA position 122, C replaced by G.
Protein change: p.Thr41Arg; replaces threonine 41 with arginine.
Molecular consequence: missense variant.
Genome position (GRCh38, 1-based): chr4:121,801,882, C>G. VCF-style: chr4-121801882-C-G. GRCh37 (hg19) VCF-style: chr4-122723037-C-G.
Other names: c.122C>G, p.Thr41Arg (NM_001034194.2); short protein forms T41R.
Identifiers: ClinVar variation 1996122 (VCV001996122.4), dbSNP rs1418751240, ClinGen allele CA358041520.

ClinVar aggregate classification (germline): Uncertain significance (1 of 4 stars; one submission).

Allele frequency attached by ClinVar (database versions not stated): gnomAD 0.00001; TOPMed 0.00001.
gnomAD v4.1: 1 of 1,613,736 alleles (0.000062%); highest among the groups gnomAD compares: African/African-American, 0.0013%; no homozygotes.

Submission:

Labcorp Genetics (formerly Invitae), Labcorp
Classification: Uncertain significance. Last evaluated: 2022-08-03. Review status: criteria provided, single submitter. Criteria: Invitae Variant Classification Sherloc (09022015). Collection method: clinical testing. Allele origin: germline.
Comment: This sequence change replaces threonine, which is neutral and polar, with arginine, which is basic and polar, at codon 41 of the EXOSC9 protein (p.Thr41Arg). This variant is present in population databases (no rsID available, gnomAD 0.01%). In summary, the available evidence is currently insufficient to determine the role of this variant in disease. Therefore, it has been classified as a Variant of Uncertain Significance. Algorithms developed to predict the effect of missense changes on protein structure and function are either unavailable or do not agree on the potential impact of this missense change (SIFT: "Deleterious"; PolyPhen-2: "Benign"; Align-GVGD: "Class C0"). This variant has not been reported in the literature in individuals affected with EXOSC9-related conditions.